The following is an entry in ClinVar:

ClinVar aggregate classification (germline): Uncertain significance. Review status: criteria provided, multiple submitters, no conflicts (2 of 4 stars). 4 submissions from 4 submitters: Uncertain significance (4). Last evaluated 2026-01-11.

Conditions:
Hereditary cancer-predisposing syndrome. Also called: Hereditary neoplastic syndrome; Neoplastic Syndromes, Hereditary; Tumor predisposition; Hereditary Cancer Syndrome. Identifiers: Orphanet 140162, MedGen C0027672, MeSH D009386, MONDO:0015356.
Breast-ovarian cancer, familial, susceptibility to, 4. Identifiers: Orphanet 145, MedGen C3280345, MONDO:0013669, OMIM 614291.

Allele frequency attached by ClinVar (database versions not stated): TOPMed below 0.00001; gnomAD 0.00001.
gnomAD v4.1: 6 of 1,563,234 alleles (0.00038%); highest among the groups gnomAD compares: Non-Finnish European, 0.00053%; no homozygotes.

Submissions (4):

Labcorp Genetics (formerly Invitae), Labcorp
Classification: Uncertain significance for Breast-ovarian cancer, familial, susceptibility to, 4. Last evaluated: 2026-01-11. Review status: criteria provided, single submitter. Criteria: Invitae Variant Classification Sherloc (09022015). Collection method: clinical testing. Allele origin: germline.
Comment: This sequence change replaces threonine, which is neutral and polar, with alanine, which is neutral and non-polar, at codon 99 of the RAD51D protein (p.Thr99Ala). This variant is not present in population databases (gnomAD no frequency). This variant has not been reported in the literature in individuals affected with RAD51D-related conditions. ClinVar contains an entry for this variant (Variation ID: 246346). Invitae Evidence Modeling of protein sequence and biophysical properties (such as structural, functional, and spatial information, amino acid conservation, physicochemical variation, residue mobility, and thermodynamic stability) has been performed for this missense variant. However, the output from this modeling did not meet the statistical confidence thresholds required to predict the impact of this variant on RAD51D protein function. Experimental studies have shown that this missense change does not substantially affect RAD51D function (PMID: 30836272). In summary, the available evidence is currently insufficient to determine the role of this variant in disease. Therefore, it has been classified as a Variant of Uncertain Significance.

Ambry Genetics
Classification: Uncertain significance for Hereditary cancer-predisposing syndrome. Last evaluated: 2024-05-05. Review status: criteria provided, single submitter. Criteria: Ambry Variant Classification Scheme 2023. Collection method: clinical testing. Allele origin: germline.
Comment: The p.T99A variant (also known as c.295A>G), located in coding exon 4 of the RAD51D gene, results from an A to G substitution at nucleotide position 295. The threonine at codon 99 is replaced by alanine, an amino acid with similar properties. This amino acid position is highly conserved in available vertebrate species. In addition, the in silico prediction for this alteration is inconclusive. Since supporting evidence is limited at this time, the clinical significance of this alteration remains unclear.

Color Diagnostics, LLC DBA Color Health
Classification: Uncertain significance for Hereditary cancer-predisposing syndrome. Last evaluated: 2019-04-24. Review status: criteria provided, single submitter. Criteria: ACMG Guidelines, 2015. Collection method: clinical testing. Allele origin: germline.

GeneDx
Classification: Uncertain significance. Last evaluated: 2016-01-27. Review status: criteria provided, single submitter. Criteria: GeneDx Variant Classification (06012015). Collection method: clinical testing. Allele origin: germline. Affected: yes.
Comment: This variant is denoted RAD51D c.295A>G at the cDNA level, p.Thr99Ala (T99A) at the protein level, and results in the change of a Threonine to an Alanine (ACT>GCT). This variant has not, to our knowledge, been published in the literature as pathogenic or benign. RAD51D Thr99Ala was not observed in approximately 6,500 individuals of European and African American ancestry in the NHLBI Exome Sequencing Project, suggesting it is not a common benign variant in these populations. Since Threonine and Alanine differ in polarity, charge, size or other properties, this is considered a non-conservative amino acid substitution. RAD51D Thr99Ala occurs at a position that is conserved across species and is located in the ATPase domain (Kim 2011). In silico analyses predict that this variant is probably damaging to protein structure and function. Based on currently available evidence, it is unclear whether RAD51D Thr99Ala is a pathogenic or benign variant. We consider it to be a variant of uncertain significance.

Literature cited by the submitters: PubMed 30836272 (cited by Labcorp Genetics (formerly Invitae), Labcorp).

NM_002878.4(RAD51D):c.295A>G (p.Thr99Ala)

Genes: RAD51L3-RFFL (RAD51L3-RFFL readthrough; minus strand), RAD51D (RAD51 paralog D; minus strand). Cytogenetic location: 17q12.
Variant type: single nucleotide variant.
Coding change: c.295A>G on transcript NM_002878.4 (MANE Select); coding-DNA position 295, A replaced by G.
Protein change: p.Thr99Ala; replaces threonine 99 with alanine.
Molecular consequence: missense variant. On other transcripts: non-coding transcript variant (2), intron variant (1).
Genome position (GRCh38, 1-based): chr17:35,107,416, T>C on the plus strand (A>G on the coding strand, the complement: RAD51D is on the minus strand). VCF-style: chr17-35107416-T-C. GRCh37 (hg19) VCF-style: chr17-33434435-T-C.
Other names: c.355A>G, p.Thr119Ala (NM_001142571.2); c.145-935A>G (NM_133629.3); short protein forms T99A, T119A.
Identifiers: ClinVar variation 246346 (VCV000246346.15), dbSNP rs746416079, ClinGen allele CA10584543.